The following is an entry in ClinVar:

NM_003383.5(VLDLR):c.2270_2279del (p.Thr757fs)

Gene: VLDLR (very low density lipoprotein receptor; plus strand). Cytogenetic location: 9p24.2.
Variant type: Deletion.
Coding change: c.2270_2279del on transcript NM_003383.5 (MANE Select); coding-DNA positions 2270 to 2279, 10 bases deleted (CTTACAGTGA; older notation c.2270_2279delCTTACAGTGA).
Protein change: p.Thr757fs; shifts the reading frame from threonine 757.
Molecular consequence: frameshift variant. On other transcripts: intron variant (2).
Genome position (GRCh38, 1-based): chr9:2,651,433-2,651,442, CTTACAGTGA deleted; deleting any 10 consecutive bases within chr9:2,651,429-2,651,442 gives the same sequence; the c. name uses the placement nearest the transcript's 3' end. VCF-style (leftmost placement, unchanged base first): chr9-2651428-TGTGACTTACA-T. GRCh37 (hg19) VCF-style: chr9-2651428-TGTGACTTACA-T.
Other names: c.2147_2156del, p.Thr716fs (NM_001322225.2); c.2252-441_2252-432del (NM_001018056.3); c.2129-441_2129-432del (NM_001322226.2); short protein forms T716fs, T757fs.
Identifiers: ClinVar variation 2787504 (VCV002787504.3), dbSNP rs2488744867, ClinGen allele CA2579302352.
Genomic context (GRCh38, chr9:2,651,428, plus strand): 5'-ATGCTGGAACCCTGGCATTAACCAGGTTCTTGGTTTTTATAATTCAGGTACTGCAACTAC[TGTGACTTACA>T]GTGAGACAAAAGATACGAACACAACAGAAATTTCAGCAACTAGTGGACTAGTTCCTGGAG-3'

ClinVar aggregate classification (germline): Pathogenic (1 of 4 stars; one submission).

Submission:

Labcorp Genetics (formerly Invitae), Labcorp
Classification: Pathogenic. Last evaluated: 2023-01-15. Review status: criteria provided, single submitter. Criteria: Invitae Variant Classification Sherloc (09022015). Collection method: clinical testing. Allele origin: germline.
Comment: For these reasons, this variant has been classified as Pathogenic. This variant has not been reported in the literature in individuals affected with VLDLR-related conditions. This variant is not present in population databases (gnomAD no frequency). This sequence change creates a premature translational stop signal (p.Thr757Argfs*16) in the VLDLR gene. It is expected to result in an absent or disrupted protein product. Loss-of-function variants in VLDLR are known to be pathogenic (PMID: 18043714, 18326629, 22532556).

Literature cited by the submitters: PubMed 18043714; PubMed 18326629; PubMed 22532556.